The following is an entry in ClinVar:

ClinVar aggregate classification (germline): Pathogenic. Review status: criteria provided, multiple submitters, no conflicts (2 of 4 stars). 2 submissions from 2 submitters: Pathogenic (2). Last evaluated 2022-01-12.

Conditions:
X-linked agammaglobulinemia with growth hormone deficiency (IGHD3). Also called: ISOLATED GROWTH HORMONE DEFICIENCY, TYPE III, WITH AGAMMAGLOBULINEMIA; FLEISHER SYNDROME; HYPOGAMMAGLOBULINEMIA AND ISOLATED GROWTH HORMONE DEFICIENCY, X-LINKED; IGHD III; AGAMMAGLOBULINEMIA AND ISOLATED GROWTH HORMONE DEFICIENCY, X-LINKED; Isolated growth hormone deficiency type 3. Identifiers: Orphanet 231692, Orphanet 631, MedGen C0472813, MONDO:0010615, OMIM 307200.
BTK-related disorder. Also called: BTK-related condition.

Submissions (2):

Blueprint Genetics
Classification: Pathogenic for BTK-related disorders. Last evaluated: 2022-01-12. Review status: criteria provided, single submitter. Criteria: ACMG Guidelines, 2015. Collection method: clinical testing. Allele origin: germline. Affected: yes. Observed: 2 variant alleles.

Labcorp Genetics (formerly Invitae), Labcorp
Classification: Pathogenic for X-linked agammaglobulinemia with growth hormone deficiency. Last evaluated: 2019-03-22. Review status: criteria provided, single submitter. Criteria: Invitae Variant Classification Sherloc (09022015). Collection method: clinical testing. Allele origin: germline.
Comment: For these reasons, this variant has been classified as Pathogenic. While this specific variant (c.3G>A) has not been reported previously, several other initiator codon variants (c.1A>G, c.2T>C, c.2T>A, c.3G>T) have been observed to segregate with X-linked agammaglobulinemia (PMID: 7849697, 8644706, 23335184, 10737994). This variant is not present in population databases (ExAC no frequency). This sequence change affects the initiator methionine of the BTK mRNA. The next in-frame methionine is located at codon 89.

Literature cited by the submitters: PubMed 7849697 (cited by Labcorp Genetics (formerly Invitae), Labcorp); PubMed 8644706 (cited by Labcorp Genetics (formerly Invitae), Labcorp); PubMed 23335184 (cited by Labcorp Genetics (formerly Invitae), Labcorp); PubMed 10737994 (cited by Labcorp Genetics (formerly Invitae), Labcorp).

NM_000061.3(BTK):c.3G>A (p.Met1Ile)

Gene: BTK (Bruton tyrosine kinase; minus strand). Cytogenetic location: Xq22.1.
Variant type: single nucleotide variant.
Coding change: c.3G>A on transcript NM_000061.3 (MANE Select); coding-DNA position 3, G replaced by A.
Protein change: p.Met1Ile; changes the start codon (methionine 1).
Molecular consequence: missense variant, initiator codon variant.
Genome position (GRCh38, 1-based): chrX:101,375,282, C>T on the plus strand (G>A on the coding strand, the complement: BTK is on the minus strand). VCF-style: chrX-101375282-C-T. GRCh37 (hg19) VCF-style: chrX-100630270-C-T.
Other names: c.3G>A, p.Met1Ile (NM_001287345.2); c.105G>A, p.Met35Ile (NM_001287344.2); short protein forms M1I, M35I.
Identifiers: ClinVar variation 863382 (VCV000863382.10), dbSNP rs1927172387, ClinGen allele CA413939883.